The following is an entry in ClinVar:

ClinVar aggregate classification (germline): Uncertain significance (1 of 4 stars; one submission).

Conditions:
Hereditary breast ovarian cancer syndrome. Also called: Hereditary breast and ovarian cancer syndrome (HBOC); Breast and ovarian cancer; Hereditary breast and ovarian cancer syndrome; Hereditary breast and/or ovarian cancer syndrome; Hereditary breast and ovarian cancer; BRCA1- and BRCA2-Associated Hereditary Breast and Ovarian Cancer. Identifiers: Orphanet 145, MedGen C0677776, MeSH D061325, MONDO:0003582. Disease mechanism: loss of function.

gnomAD v4.1: 3 of 1,611,812 alleles (0.00019%); highest among the groups gnomAD compares: Non-Finnish European, 0.00025%; no homozygotes.

Submission:

Labcorp Genetics (formerly Invitae), Labcorp
Classification: Uncertain significance for Hereditary breast ovarian cancer syndrome. Last evaluated: 2024-10-21. Review status: criteria provided, single submitter. Criteria: Invitae Variant Classification Sherloc (09022015). Collection method: clinical testing. Allele origin: germline.
Comment: This sequence change replaces arginine, which is basic and polar, with leucine, which is neutral and non-polar, at codon 2991 of the BRCA2 protein (p.Arg2991Leu). This variant is not present in population databases (gnomAD no frequency). This variant has not been reported in the literature in individuals affected with BRCA2-related conditions. ClinVar contains an entry for this variant (Variation ID: 1412704). Invitae Evidence Modeling of protein sequence and biophysical properties (such as structural, functional, and spatial information, amino acid conservation, physicochemical variation, residue mobility, and thermodynamic stability) indicates that this missense variant is not expected to disrupt BRCA2 protein function with a negative predictive value of 95%. In summary, the available evidence is currently insufficient to determine the role of this variant in disease. Therefore, it has been classified as a Variant of Uncertain Significance.

NM_000059.4(BRCA2):c.8972G>T (p.Arg2991Leu)

Gene: BRCA2 (BRCA2 DNA repair associated; plus strand). Cytogenetic location: 13q13.1.
Variant type: single nucleotide variant.
Coding change: c.8972G>T on transcript NM_000059.4 (MANE Select); coding-DNA position 8972, G replaced by T.
Protein change: p.Arg2991Leu; replaces arginine 2991 with leucine.
Molecular consequence: missense variant.
Genome position (GRCh38, 1-based): chr13:32,379,768, G>T. VCF-style: chr13-32379768-G-T. GRCh37 (hg19) VCF-style: chr13-32953905-G-T.
Other names: short protein forms R2991L.
Identifiers: ClinVar variation 1412704 (VCV001412704.6), dbSNP rs80359150, ClinGen allele CA387757392.